The following is an entry in ClinVar:

ClinVar aggregate classification (germline): Conflicting classifications of pathogenicity. Review status: criteria provided, conflicting classifications (1 of 4 stars). 4 submissions from 4 submitters: Uncertain significance (2); Benign (1); Likely benign (1). Last evaluated 2025-12-24.

Conditions:
BMPR1B-related disorder. Also called: BMPR1B-related condition.
Acromesomelic dysplasia 3 (AMD3). Also called: CHONDRODYSPLASIA, ACROMESOMELIC, WITH OR WITHOUT GENITAL ANOMALIES; Acromesomelic dysplasia, Demirhan type. Identifiers: MedGen C4225404, MONDO:0012274, OMIM 609441.
Type A2 brachydactyly (BDA2). Also called: BRACHYMESOPHALANGY II; MOHR-WRIEDT TYPE BRACHYDACTYLY; Brachymesophalangy type 2. Identifiers: Orphanet 93396, MedGen C1832702, MONDO:0007216, OMIM 112600, HP:0009372.
Inborn genetic diseases. Identifiers: MedGen C0950123, MeSH D030342.
Brachydactyly. Also called: Brachydactyly syndrome; Brachydactyly (disease). Identifiers: MedGen C0221357, MONDO:0021004, HP:0001156.

Allele frequency attached by ClinVar (database versions not stated): gnomAD 0.00003 and 0.00004; gnomAD exomes 0.00003 and 0.00006; TOPMed 0.00005; ExAC 0.00013.
gnomAD v4.1: 45 of 1,613,866 alleles (0.0028%); highest among the groups gnomAD compares: Admixed American, 0.02%; no homozygotes.

Submissions (4):

Labcorp Genetics (formerly Invitae), Labcorp
Classification: Likely benign for Type A2 brachydactyly; Acromesomelic dysplasia 3. Last evaluated: 2025-12-24. Review status: criteria provided, single submitter. Criteria: Invitae Variant Classification Sherloc (09022015). Collection method: clinical testing. Allele origin: germline.

Ambry Genetics
Classification: Uncertain significance for Inborn genetic diseases. Last evaluated: 2024-04-19. Review status: criteria provided, single submitter. Criteria: Ambry Variant Classification Scheme 2023. Collection method: clinical testing. Allele origin: germline.

PreventionGenetics, part of Exact Sciences
Classification: Uncertain significance for BMPR1B-related condition. Last evaluated: 2023-01-24. Review status: criteria provided, single submitter. Criteria: ACMG Guidelines, 2015. Collection method: clinical testing. Allele origin: germline.
Comment: The BMPR1B c.1105A>G variant is predicted to result in the amino acid substitution p.Asn369Asp. To our knowledge, this variant has not been reported in the literature. This variant is reported in 0.023% of alleles in individuals of Latino descent in gnomAD. At this time, the clinical significance of this variant is uncertain due to the absence of conclusive functional and genetic evidence.

Illumina Laboratory Services, Illumina
Classification: Benign for Brachydactyly. Last evaluated: 2018-01-13. Review status: criteria provided, single submitter. Criteria: ICSL Variant Classification Criteria 13 December 2019. Collection method: clinical testing. Allele origin: germline.
Comment: This variant was observed in the ICSL laboratory as part of a predisposition screen in an ostensibly healthy population. It had not been previously curated by ICSL or reported in the Human Gene Mutation Database (HGMD: prior to June 1st, 2018), and was therefore a candidate for classification through an automated scoring system. Utilizing variant allele frequency, disease prevalence and penetrance estimates, and inheritance mode, an automated score was calculated to assess if this variant is too frequent to cause the disease. Based on the score and internal cut-off values, a variant classified as benign is not then subjected to further curation. The score for this variant resulted in a classification of benign for this disease.

NM_001203.3(BMPR1B):c.1105A>G (p.Asn369Asp)

Gene: BMPR1B (bone morphogenetic protein receptor type 1B; plus strand). Cytogenetic location: 4q22.3.
Variant type: single nucleotide variant.
Coding change: c.1105A>G on transcript NM_001203.3 (MANE Select); coding-DNA position 1105, A replaced by G.
Protein change: p.Asn369Asp; replaces asparagine 369 with aspartic acid.
Molecular consequence: missense variant.
Genome position (GRCh38, 1-based): chr4:95,148,776, A>G. VCF-style: chr4-95148776-A-G. GRCh37 (hg19) VCF-style: chr4-96069927-A-G.
Other names: c.1105A>G, p.Asn369Asp (NM_001256792.2, NM_001256794.1); c.1195A>G, p.Asn399Asp (NM_001256793.2); short protein forms N369D, N399D.
Identifiers: ClinVar variation 350124 (VCV000350124.13), dbSNP rs778257341, ClinGen allele CA3015179.